The following is an entry in ClinVar:

NM_021975.4(RELA):c.1552C>T (p.Leu518=)

Gene: RELA (RELA proto-oncogene, NF-kB subunit; minus strand). Cytogenetic location: 11q13.1.
Variant type: single nucleotide variant.
Coding change: c.1552C>T on transcript NM_021975.4 (MANE Select); coding-DNA position 1552, C replaced by T.
Protein change: p.Leu518=; no amino-acid change (leucine 518 retained).
Molecular consequence: synonymous variant.
Genome position (GRCh38, 1-based): chr11:65,654,482, G>A on the plus strand (C>T on the coding strand, the complement: RELA is on the minus strand). VCF-style: chr11-65654482-G-A. GRCh37 (hg19) VCF-style: chr11-65421953-G-A.
Other names: c.1543C>T, p.Leu515= (NM_001145138.2); c.1345C>T, p.Leu449= (NM_001243984.2); c.1243C>T, p.Leu415= (NM_001243985.2); c.1585C>T, p.Leu529= (NM_001404657.1); c.1525C>T, p.Leu509= (NM_001404658.1); c.1339C>T, p.Leu447= (NM_001404659.1); c.1234C>T, p.Leu412= (NM_001404660.1); c.1171C>T, p.Leu391= (NM_001404661.1); and 1 more.
Identifiers: ClinVar variation 3017827 (VCV003017827.10), dbSNP rs759178495, ClinGen allele CA6106578.

ClinVar aggregate classification (germline): Likely benign. Review status: criteria provided, multiple submitters, no conflicts (2 of 4 stars). 2 submissions from 2 submitters: Likely benign (2). Last evaluated 2026-06-01.

Allele frequency attached by ClinVar (database versions not stated): ExAC 0.00002; gnomAD 0.00005.

Submissions (2):

CeGaT Center for Human Genetics Tuebingen
Classification: Likely benign. Last evaluated: 2026-06-01. Review status: criteria provided, single submitter. Criteria: CeGaT Center For Human Genetics Tuebingen Variant Classification Criteria Version 2. Collection method: clinical testing. Allele origin: germline. Affected: yes. Observed: 9 variant alleles.
Comment: RELA: BP4, BP7

Labcorp Genetics (formerly Invitae), Labcorp
Classification: Likely benign. Last evaluated: 2023-06-17. Review status: criteria provided, single submitter. Criteria: Invitae Variant Classification Sherloc (09022015). Collection method: clinical testing. Allele origin: germline.